The following is an entry in ClinVar:

ClinVar aggregate classification (germline): Uncertain significance (1 of 4 stars; one submission).

Submission:

Ambry Genetics
Classification: Uncertain significance. Last evaluated: 2025-06-02. Review status: criteria provided, single submitter. Criteria: Ambry Variant Classification Scheme 2023. Collection method: clinical testing. Allele origin: germline.
Comment: The p.A31T variant (also known as c.91G>A), located in coding exon 1 of the WNK2 gene, results from a G to A substitution at nucleotide position 91. The alanine at codon 31 is replaced by threonine, an amino acid with similar properties. This amino acid position is conserved. In addition, this alteration is predicted to be tolerated by in silico analysis. Based on the available evidence, the clinical significance of this variant remains unclear.

NM_006648.4(WNK2):c.91G>A (p.Ala31Thr)

Gene: WNK2 (WNK lysine deficient protein kinase 2; plus strand). Cytogenetic location: 9q22.31.
Variant type: single nucleotide variant.
Coding change: c.91G>A on transcript NM_006648.4 (MANE Select); coding-DNA position 91, G replaced by A.
Protein change: p.Ala31Thr; replaces alanine 31 with threonine.
Molecular consequence: missense variant.
Genome position (GRCh38, 1-based): chr9:93,185,020, G>A. VCF-style: chr9-93185020-G-A. GRCh37 (hg19) VCF-style: chr9-95947302-G-A.
Other names: c.91G>A, p.Ala31Thr (NM_001282394.3); short protein forms A31T.
Identifiers: ClinVar variation 3982161 (VCV003982161.1).